The following is an entry in ClinVar:

ClinVar aggregate classification (germline): Uncertain significance (1 of 4 stars; one submission).

Conditions:
Hereditary spastic paraplegia 11. Also called: Spastic Paraplegia 11; SPASTIC PARAPLEGIA, AUTOSOMAL RECESSIVE, COMPLICATED, WITH THIN CORPUS CALLOSUM; SPASTIC PARAPLEGIA, AUTOSOMAL RECESSIVE, WITH MENTAL IMPAIRMENT AND THIN CORPUS CALLOSUM; Nakamura Osame syndrome; Autosomal recessive hereditary spastic paraplegia, mental impairment, and thin corpus callosum; Spastic paraplegia, mental retardation and thin corpus callosum. Identifiers: Orphanet 2822, MedGen C1858479, MONDO:0011445, OMIM 604360.

gnomAD v4.1: 1 of 1,614,206 alleles (0.000062%); highest among the groups gnomAD compares: Non-Finnish European, 0.000085%; no homozygotes.

Submission:

Labcorp Genetics (formerly Invitae), Labcorp
Classification: Uncertain significance for Hereditary spastic paraplegia 11. Last evaluated: 2021-08-31. Review status: criteria provided, single submitter. Criteria: Invitae Variant Classification Sherloc (09022015). Collection method: clinical testing. Allele origin: germline.
Comment: This sequence change replaces arginine with proline at codon 2031 of the SPG11 protein (p.Arg2031Pro). The arginine residue is highly conserved and there is a moderate physicochemical difference between arginine and proline. This variant is not present in population databases (ExAC no frequency). This variant has not been reported in the literature in individuals affected with SPG11-related conditions. Algorithms developed to predict the effect of missense changes on protein structure and function (SIFT, PolyPhen-2, Align-GVGD) all suggest that this variant is likely to be disruptive. In summary, the available evidence is currently insufficient to determine the role of this variant in disease. Therefore, it has been classified as a Variant of Uncertain Significance.

NM_025137.4(SPG11):c.6092G>C (p.Arg2031Pro)

Gene: SPG11 (SPG11 vesicle trafficking associated, spatacsin; minus strand). Cytogenetic location: 15q21.1.
Variant type: single nucleotide variant.
Coding change: c.6092G>C on transcript NM_025137.4 (MANE Select); coding-DNA position 6092, G replaced by C.
Protein change: p.Arg2031Pro; replaces arginine 2031 with proline.
Molecular consequence: missense variant. On other transcripts: intron variant (1).
Genome position (GRCh38, 1-based): chr15:44,573,660, C>G on the plus strand (G>C on the coding strand, the complement: SPG11 is on the minus strand). VCF-style: chr15-44573660-C-G. GRCh37 (hg19) VCF-style: chr15-44865858-C-G.
Other names: c.5867-840G>C (NM_001160227.2); short protein forms R2031P.
Identifiers: ClinVar variation 566664 (VCV000566664.6), dbSNP rs1365555358, ClinGen allele CA392218321.